The following is an entry in ClinVar:

ClinVar aggregate classification (germline): Uncertain significance. Review status: criteria provided, multiple submitters, no conflicts (2 of 4 stars). 3 submissions from 3 submitters: Uncertain significance (3). Last evaluated 2024-05-09.

Conditions:
Tuberous sclerosis 2 (TSC2). Identifiers: Orphanet 805, MedGen C1860707, MONDO:0013199, OMIM 613254.
Tuberous sclerosis syndrome (TSC). Also called: Tuberous Sclerosis Complex; Tuberous sclerosis. Identifiers: Orphanet 805, MedGen C0041341, MONDO:0001734.
Hereditary cancer-predisposing syndrome. Also called: Tumor predisposition; Hereditary Cancer Syndrome; Neoplastic Syndromes, Hereditary; Hereditary neoplastic syndrome. Identifiers: Orphanet 140162, MedGen C0027672, MeSH D009386, MONDO:0015356.

Submissions (3):

All of Us Research Program, National Institutes of Health
Classification: Uncertain significance for Tuberous sclerosis syndrome. Last evaluated: 2024-05-09. Review status: criteria provided, single submitter. Criteria: ACMG Guidelines, 2015. Collection method: clinical testing. Allele origin: germline. Inheritance: Autosomal dominant inheritance. Observed: 1 variant allele, 1 heterozygote.
Comment: This study involves interpretation of variants in research participants for the purpose of population health screening. Participant phenotype was not available at the time of variant classification. Additional details can be found in publication PMID: 35346344, PMCID: PMC8962531

Ambry Genetics
Classification: Uncertain significance for Hereditary cancer-predisposing syndrome. Last evaluated: 2023-09-24. Review status: criteria provided, single submitter. Criteria: Ambry Variant Classification Scheme 2023. Collection method: clinical testing. Allele origin: germline.
Comment: The p.Y407C variant (also known as c.1220A>G), located in coding exon 11 of the TSC2 gene, results from an A to G substitution at nucleotide position 1220. The tyrosine at codon 407 is replaced by cysteine, an amino acid with highly dissimilar properties. This amino acid position is conserved. In addition, the in silico prediction for this alteration is inconclusive. Since supporting evidence is limited at this time, the clinical significance of this alteration remains unclear.

Labcorp Genetics (formerly Invitae), Labcorp
Classification: Uncertain significance for Tuberous sclerosis 2. Last evaluated: 2023-06-15. Review status: criteria provided, single submitter. Criteria: Invitae Variant Classification Sherloc (09022015). Collection method: clinical testing. Allele origin: germline.
Comment: This sequence change replaces tyrosine, which is neutral and polar, with cysteine, which is neutral and slightly polar, at codon 407 of the TSC2 protein (p.Tyr407Cys). This variant is not present in population databases (gnomAD no frequency). This variant has not been reported in the literature in individuals affected with TSC2-related conditions. ClinVar contains an entry for this variant (Variation ID: 1009538). Advanced modeling of protein sequence and biophysical properties (such as structural, functional, and spatial information, amino acid conservation, physicochemical variation, residue mobility, and thermodynamic stability) performed at Invitae indicates that this missense variant is not expected to disrupt TSC2 protein function. In summary, the available evidence is currently insufficient to determine the role of this variant in disease. Therefore, it has been classified as a Variant of Uncertain Significance.

NM_000548.5(TSC2):c.1220A>G (p.Tyr407Cys)

Gene: TSC2 (TSC complex subunit 2; plus strand). Cytogenetic location: 16p13.3.
Variant type: single nucleotide variant.
Coding change: c.1220A>G on transcript NM_000548.5 (MANE Select); coding-DNA position 1220, A replaced by G.
Protein change: p.Tyr407Cys; replaces tyrosine 407 with cysteine.
Molecular consequence: missense variant.
Genome position (GRCh38, 1-based): chr16:2,061,971, A>G. VCF-style: chr16-2061971-A-G. GRCh37 (hg19) VCF-style: chr16-2111972-A-G.
Other names: c.1220A>G, p.Tyr407Cys (NM_001077183.3, NM_001114382.3, NM_001363528.2 and 3 more transcripts); c.1109A>G, p.Tyr370Cys (NM_001318827.2); c.1073A>G, p.Tyr358Cys (NM_001318829.2); c.620A>G, p.Tyr207Cys (NM_001318831.2); c.1253A>G, p.Tyr418Cys (NM_001318832.2); c.1220A>G (NM_000548.3); short protein forms Y207C, Y358C, Y370C, Y407C, Y418C.
Identifiers: ClinVar variation 1009538 (VCV001009538.10), dbSNP rs1596303621, ClinGen allele CA394321122.